The following is an entry in ClinVar:

ClinVar aggregate classification (germline): Pathogenic/Likely pathogenic. Review status: criteria provided, multiple submitters, no conflicts (2 of 4 stars). 2 submissions from 2 submitters: Pathogenic (1); Likely pathogenic (1). Last evaluated 2025-09-28.

Conditions:
Juvenile neuronal ceroid lipofuscinosis. Also called: Batten Disease. Identifiers: Orphanet 79264, MedGen CN293564, MONDO:0019262.
Neuronal ceroid lipofuscinosis. Also called: Neuronal Ceroid Lipofuscinoses. Identifiers: Orphanet 216, Orphanet 79263, MedGen C0027877, MONDO:0016295. Disease mechanism: loss of function.

Submissions (2):

Natera, Inc.
Classification: Likely pathogenic for Batten Disease. Last evaluated: 2025-09-28. Review status: criteria provided, single submitter. Criteria: Natera Variant Classification Schema (03/2026). Collection method: clinical testing. Allele origin: germline.
Comment: The c.3G>A variant in CLN3 is predicted to result in start loss due to disruption of the initiator methionine. This variant is expected to result in nonsense mediated decay, truncation, or a dysfunctional protein product. This variant is rare in the general population with a frequency below the threshold expected for the associated phenotype(s). Given the available evidence, this variant is classified as Likely Pathogenic.

Labcorp Genetics (formerly Invitae), Labcorp
Classification: Pathogenic for Neuronal ceroid lipofuscinosis. Last evaluated: 2023-09-25. Review status: criteria provided, single submitter. Criteria: Invitae Variant Classification Sherloc (09022015). Collection method: clinical testing. Allele origin: germline.
Comment: For these reasons, this variant has been classified as Pathogenic. This sequence change affects the initiator methionine of the CLN3 mRNA. The next in-frame methionine is located at codon 55. This variant is not present in population databases (gnomAD no frequency). Disruption of the initiator codon has been observed in individuals with neuronal ceroid lipofuscinosis (PMID: 21990111, 32154056).

Literature cited by the submitters: PubMed 21990111 (cited by Labcorp Genetics (formerly Invitae), Labcorp); PubMed 32154056 (cited by Labcorp Genetics (formerly Invitae), Labcorp).

NM_001042432.2(CLN3):c.3G>A (p.Met1Ile)

Gene: CLN3 (CLN3 lysosomal/endosomal transmembrane protein, battenin; minus strand). Cytogenetic location: 16p12.1.
Variant type: single nucleotide variant.
Coding change: c.3G>A on transcript NM_001042432.2 (MANE Select); coding-DNA position 3, G replaced by A.
Protein change: p.Met1Ile; changes the start codon (methionine 1).
Molecular consequence: missense variant, initiator codon variant. On other transcripts: 5 prime UTR variant (3).
Genome position (GRCh38, 1-based): chr16:28,491,757, C>T on the plus strand (G>A on the coding strand, the complement: CLN3 is on the minus strand). VCF-style: chr16-28491757-C-T. GRCh37 (hg19) VCF-style: chr16-28503078-C-T.
Other names: c.3G>A, p.Met1Ile (NM_000086.2, NM_001286104.2); c.-139G>A (NM_001286105.2); c.-81G>A (NM_001286109.2, NM_001286110.2); short protein forms M1I.
Identifiers: ClinVar variation 2782846 (VCV002782846.4), dbSNP rs2506530720, ClinGen allele CA395347587.
Genomic context (GRCh38, chr16:28,491,757, plus strand): 5'-TGGGCGGGAATACTCACCCTCGGAATCCGAAAAGCGCCGCCGCGAGCCTGCACAGCCTCC[C>T]ATCGCATCAAGTTCAGGTCCCCCGAGGGTCCAGGGTCATAGAGTGTCCAAAGGGGGCTCC-3'
Protein context (NP_001035897.1, residues 1-11): [Met1Ile]GGCAGSRRRF